The following is an entry in ClinVar:

ClinVar aggregate classification (germline): Uncertain significance. Review status: criteria provided, multiple submitters, no conflicts (2 of 4 stars). 3 submissions from 3 submitters: Uncertain significance (3). Last evaluated 2022-10-17.

Conditions:
Immunodeficiency 23 (IMD23). Also called: IMMUNODEFICIENCY WITH HYPER IgE AND COGNITIVE IMPAIRMENT; IMMUNODEFICIENCY-VASCULITIS-MYOCLONUS SYNDROME. Identifiers: Orphanet 443811, MedGen C4014371, MONDO:0014353, OMIM 615816.

Allele frequency attached by ClinVar (database versions not stated): 1000 Genomes Project 30x 0.00016; gnomAD 0.00017 and 0.00019; 1000 Genomes Project 0.00020; TOPMed 0.00023; gnomAD exomes 0.00037 and 0.00047; ESP Exome Variant Server 0.00038; ExAC 0.00075.
gnomAD v4.1: 561 of 1,614,020 alleles (0.035%); highest among the groups gnomAD compares: Non-Finnish European, 0.042%; 1 homozygote.

Submissions (3):

Labcorp Genetics (formerly Invitae), Labcorp
Classification: Uncertain significance for Immunodeficiency 23. Last evaluated: 2022-10-17. Review status: criteria provided, single submitter. Criteria: Invitae Variant Classification Sherloc (09022015). Collection method: clinical testing. Allele origin: germline.
Comment: This sequence change replaces proline, which is neutral and non-polar, with threonine, which is neutral and polar, at codon 566 of the PGM3 protein (p.Pro566Thr). This variant is present in population databases (rs143654268, gnomAD 0.08%), including at least one homozygous and/or hemizygous individual. This variant has not been reported in the literature in individuals affected with PGM3-related conditions. ClinVar contains an entry for this variant (Variation ID: 252565). Algorithms developed to predict the effect of missense changes on protein structure and function are either unavailable or do not agree on the potential impact of this missense change (SIFT: "Tolerated"; PolyPhen-2: "Probably Damaging"; Align-GVGD: "Class C0"). In summary, the available evidence is currently insufficient to determine the role of this variant in disease. Therefore, it has been classified as a Variant of Uncertain Significance.

Molecular Genetics, Royal Melbourne Hospital
Classification: Uncertain significance for Immunodeficiency 23. Last evaluated: 2022-04-05. Review status: criteria provided, single submitter. Criteria: ACMG Guidelines, 2015. Collection method: clinical testing. Allele origin: germline.
Comment: This sequence change in PGM3 is predicted to replace proline with threonine at codon 538, p.(Pro538Thr). The proline residue is evolutionarily conserved (100 vertebrates, UCSC), and is not located in a known functional domain. There is a small physicochemical difference between proline and threonine. The highest population minor allele frequency in gnomAD v2.1 is 0.09% (110/128,980 alleles, 1 homozygote) in the European (non-Finnish) population. This variant has been reported as a variant of uncertain significance (ClinVar ID: 252565), and to our knowledge has not been reported in the literature in any individuals with immunodeficiency. Multiple lines of computational evidence predict a deleterious effect for the missense substitution (5/6 algorithms). Based on the classification scheme RMH Modified ACMG Guidelines v1.4.0, this variant is classified as a VARIANT OF UNCERTAIN SIGNIFICANCE. Following criteria are met: PP3.

Genomic Diagnostic Laboratory, Division of Genomic Diagnostics, Children's Hospital of Philadelphia
Classification: Uncertain significance. Last evaluated: 2015-11-20. Review status: criteria provided, single submitter. Criteria: DGD Variant Analysis Guidelines. Collection method: clinical testing. Allele origin: unknown.

NM_015599.3(PGM3):c.1612C>A (p.Pro538Thr)

Genes: DOP1A (DOP1 leucine zipper like protein A; plus strand), PGM3 (phosphoglucomutase 3; minus strand). Cytogenetic location: 6q14.1.
Variant type: single nucleotide variant.
Coding change: c.1612C>A on transcript NM_015599.3 (MANE Select); coding-DNA position 1612, C replaced by A.
Protein change: p.Pro538Thr; replaces proline 538 with threonine.
Molecular consequence: missense variant. On other transcripts: 3 prime UTR variant (1), non-coding transcript variant (1).
Genome position (GRCh38, 1-based): chr6:83,169,251, G>T on the plus strand (C>A on the coding strand, the complement: PGM3 is on the minus strand). VCF-style: chr6-83169251-G-T. GRCh37 (hg19) VCF-style: chr6-83878970-G-T.
Other names: c.1696C>A, p.Pro566Thr (NM_001199917.2, NM_001367287.1); c.*47C>A (NM_001199918.2); c.1612C>A, p.Pro538Thr (NM_001199919.2); c.1489C>A, p.Pro497Thr (NM_001367286.1); short protein forms P566T, P538T, P497T.
Identifiers: ClinVar variation 252565 (VCV000252565.9), dbSNP rs143654268, ClinGen allele CA3906466.
Genomic context (GRCh38, chr6:83,169,251, plus strand): 5'-GACTTGTAAAAAGTCCAGTTTCTCAGGAATATGAAAATTATCTTCAGAAACCTGGTTGGG[G>T]CCTTTCTCCAATTCCTCCAGCCAGCTGAAATACTGCCAAGCTCACTTCATGTGCAAGGTG-3'
Protein context (NP_056414.1, residues 528-542): FQLAGGIGER[Pro538Thr]QPGF